The following is an entry in ClinVar:

NM_000038.6(APC):c.3807A>G (p.Ile1269Met)

Gene: APC (APC regulator of Wnt signaling pathway; plus strand). Cytogenetic location: 5q22.2.
Variant type: single nucleotide variant.
Coding change: c.3807A>G on transcript NM_000038.6 (MANE Select); coding-DNA position 3807, A replaced by G.
Protein change: p.Ile1269Met; replaces isoleucine 1269 with methionine.
Molecular consequence: missense variant.
Genome position (GRCh38, 1-based): chr5:112,839,401, A>G. VCF-style: chr5-112839401-A-G. GRCh37 (hg19) VCF-style: chr5-112175098-A-G.
Other names: c.3807A>G, p.Ile1269Met (NM_001127510.3, NM_001354895.2); c.3753A>G, p.Ile1251Met (NM_001127511.3); c.3861A>G, p.Ile1287Met (NM_001354896.2); c.3837A>G, p.Ile1279Met (NM_001354897.2); c.3732A>G, p.Ile1244Met (NM_001354898.2); c.3723A>G, p.Ile1241Met (NM_001354899.2); c.3684A>G, p.Ile1228Met (NM_001354900.2); c.3630A>G, p.Ile1210Met (NM_001354901.2); and 5 more; short protein forms I1251M, I1269M, I1228M, I1244M, I1287M, I1143M, I1241M, I1279M.
Identifiers: ClinVar variation 230380 (VCV000230380.25), dbSNP rs876658536, ClinGen allele CA10578358.

ClinVar aggregate classification (germline): Uncertain significance. Review status: criteria provided, multiple submitters, no conflicts (2 of 4 stars). 7 submissions from 7 submitters: Uncertain significance (7). Last evaluated 2025-11-05.

Conditions:
Familial adenomatous polyposis 1 (FAP1). Also called: FAMILIAL ADENOMATOUS POLYPOSIS 1, ATTENUATED; POLYPOSIS, ADENOMATOUS INTESTINAL. Identifiers: MedGen C2713442, MONDO:0021056, OMIM 175100. Disease mechanism: loss of function.
Hereditary cancer-predisposing syndrome. Also called: Neoplastic Syndromes, Hereditary; Tumor predisposition; Hereditary Cancer Syndrome; Hereditary neoplastic syndrome. Identifiers: Orphanet 140162, MedGen C0027672, MeSH D009386, MONDO:0015356.
Classic or attenuated familial adenomatous polyposis. Identifiers: MedGen CN372698, MONDO:0021057.

Allele frequency attached by ClinVar (database versions not stated): gnomAD exomes below 0.00001; gnomAD 0.00001; TOPMed 0.00001.
gnomAD v4.1: 3 of 1,614,046 alleles (0.00019%); highest among the groups gnomAD compares: Non-Finnish European, 0.00025%; no homozygotes.

Submissions (7):

Labcorp Genetics (formerly Invitae), Labcorp
Classification: Uncertain significance for Familial adenomatous polyposis 1. Last evaluated: 2025-11-05. Review status: criteria provided, single submitter. Criteria: Invitae Variant Classification Sherloc (09022015). Collection method: clinical testing. Allele origin: germline.
Comment: This sequence change replaces isoleucine, which is neutral and non-polar, with methionine, which is neutral and non-polar, at codon 1269 of the APC protein (p.Ile1269Met). This variant is not present in population databases (gnomAD no frequency). This variant has not been reported in the literature in individuals affected with APC-related conditions. ClinVar contains an entry for this variant (Variation ID: 230380). Invitae Evidence Modeling of protein sequence and biophysical properties (such as structural, functional, and spatial information, amino acid conservation, physicochemical variation, residue mobility, and thermodynamic stability) indicates that this missense variant is not expected to disrupt APC protein function with a negative predictive value of 95%. In summary, the available evidence is currently insufficient to determine the role of this variant in disease. Therefore, it has been classified as a Variant of Uncertain Significance.

Color Diagnostics, LLC DBA Color Health
Classification: Uncertain significance for Hereditary cancer-predisposing syndrome. Last evaluated: 2025-07-14. Review status: criteria provided, single submitter. Criteria: ACMG Guidelines, 2015. Collection method: clinical testing. Allele origin: germline.
Comment: This missense variant replaces isoleucine with methionine at codon 1269 of the APC protein. Computational prediction suggests that this variant may not impact protein structure and function. To our knowledge, functional studies have not been reported for this variant. This variant has not been reported in individuals affected with APC-related disorders in the literature. This variant has not been identified in the general population by the Genome Aggregation Database (gnomAD). The available evidence is insufficient to determine the role of this variant in disease conclusively. Therefore, this variant is classified as a Variant of Uncertain Significance.

GeneDx
Classification: Uncertain significance. Last evaluated: 2024-12-06. Review status: criteria provided, single submitter. Criteria: GeneDx Variant Classification Process June 2021. Collection method: clinical testing. Allele origin: germline. Affected: yes.
Comment: Not observed at significant frequency in large population cohorts (gnomAD); In silico analysis indicates that this missense variant does not alter protein structure/function; Has not been previously published as pathogenic or benign to our knowledge; This variant is associated with the following publications: (PMID: 18199528)

All of Us Research Program, National Institutes of Health
Classification: Uncertain significance for Classic or attenuated familial adenomatous polyposis. Last evaluated: 2024-08-06. Review status: criteria provided, single submitter. Criteria: ACMG Guidelines, 2015. Collection method: clinical testing. Allele origin: germline. Inheritance: Autosomal dominant inheritance. Observed: 3 variant alleles, 3 heterozygotes.
Comment: This missense variant replaces isoleucine with methionine at codon 1269 of the APC protein. Computational prediction suggests that this variant may not impact protein structure and function (internally defined REVEL score threshold <= 0.5, PMID: 27666373). To our knowledge, functional studies have not been reported for this variant. This variant has not been reported in individuals affected with hereditary cancer in the literature. This variant has not been identified in the general population by the Genome Aggregation Database (gnomAD). The available evidence is insufficient to determine the role of this variant in disease conclusively. Therefore, this variant is classified as a Variant of Uncertain Significance.

This study involves interpretation of variants in research participants for the purpose of population health screening. Participant phenotype was not available at the time of variant classification. Additional details can be found in publication PMID: 35346344, PMCID: PMC8962531

Ambry Genetics
Classification: Uncertain significance for Hereditary cancer-predisposing syndrome. Last evaluated: 2024-04-23. Review status: criteria provided, single submitter. Criteria: Ambry Variant Classification Scheme 2023. Collection method: clinical testing. Allele origin: germline.
Comment: The p.I1269M variant (also known as c.3807A>G), located in coding exon 15 of the APC gene, results from an A to G substitution at nucleotide position 3807. The isoleucine at codon 1269 is replaced by methionine, an amino acid with highly similar properties. This amino acid position is highly conserved in available vertebrate species. In addition, in silico predictors for this gene do not accurately predict pathogenicity. Since supporting evidence is limited at this time, the clinical significance of this alteration remains unclear.

Baylor Genetics
Classification: Uncertain significance for Familial adenomatous polyposis 1. Last evaluated: 2023-08-04. Review status: criteria provided, single submitter. Criteria: ACMG Guidelines, 2015. Collection method: clinical testing. Allele origin: unknown.

Women's Health and Genetics/Laboratory Corporation of America, LabCorp
Classification: Uncertain significance. Last evaluated: 2016-01-04. Review status: criteria provided, single submitter. Criteria: LabCorp Variant Classification Summary - May 2015. Collection method: clinical testing. Allele origin: germline.